The following is an entry in ClinVar:

NM_182961.4(SYNE1):c.5515C>T (p.Leu1839Phe)

Gene: SYNE1 (spectrin repeat containing nuclear envelope protein 1; minus strand). Cytogenetic location: 6q25.2.
Variant type: single nucleotide variant.
Coding change: c.5515C>T on transcript NM_182961.4 (MANE Select); coding-DNA position 5515, C replaced by T.
Protein change: p.Leu1839Phe; replaces leucine 1839 with phenylalanine.
Molecular consequence: missense variant.
Genome position (GRCh38, 1-based): chr6:152,416,922, G>A on the plus strand (C>T on the coding strand, the complement: SYNE1 is on the minus strand). VCF-style: chr6-152416922-G-A. GRCh37 (hg19) VCF-style: chr6-152738057-G-A.
Other names: c.5536C>T, p.Leu1846Phe (NM_033071.5); short protein forms L1839F, L1846F.
Identifiers: ClinVar variation 998602 (VCV000998602.24), dbSNP rs746812274, ClinGen allele CA4058254.

ClinVar aggregate classification (germline): Uncertain significance. Review status: criteria provided, multiple submitters, no conflicts (2 of 4 stars). 2 submissions from 2 submitters: Uncertain significance (2). Last evaluated 2024-07-01.

Conditions:
Autosomal recessive ataxia, Beauce type. Also called: SYNE1 Deficiency; SYNE1-Related Autosomal Recessive Cerebellar Ataxia; ATAXIA, RECESSIVE, OF BEAUCE; Spinocerebellar ataxia, autosomal recessive 8. Identifiers: Orphanet 88644, MedGen C1853116, MONDO:0012549, OMIM 610743.
Emery-Dreifuss muscular dystrophy 4, autosomal dominant (EDMD4). Also called: EMERY-DREIFUSS MUSCULAR DYSTROPHY 4 WITH VARIABLE FEATURES. Identifiers: Orphanet 261, MedGen C2751807, MONDO:0013071, OMIM 612998.

Allele frequency attached by ClinVar (database versions not stated): ExAC 0.00001; gnomAD exomes 0.00001.
gnomAD v4.1: 2 of 1,614,134 alleles (0.00012%); highest among the groups gnomAD compares: Middle Eastern, 0.016%; no homozygotes.

Submissions (2):

CeGaT Center for Human Genetics Tuebingen
Classification: Uncertain significance. Last evaluated: 2024-07-01. Review status: criteria provided, single submitter. Criteria: CeGaT Center For Human Genetics Tuebingen Variant Classification Criteria Version 2. Collection method: clinical testing. Allele origin: germline. Affected: yes. Observed: 1 variant allele.
Comment: SYNE1: PM2, BP4

Labcorp Genetics (formerly Invitae), Labcorp
Classification: Uncertain significance for Emery-Dreifuss muscular dystrophy 4, autosomal dominant; Autosomal recessive ataxia, Beauce type. Last evaluated: 2022-08-10. Review status: criteria provided, single submitter. Criteria: Invitae Variant Classification Sherloc (09022015). Collection method: clinical testing. Allele origin: germline.
Comment: In summary, the available evidence is currently insufficient to determine the role of this variant in disease. Therefore, it has been classified as a Variant of Uncertain Significance. Algorithms developed to predict the effect of missense changes on protein structure and function output the following: SIFT: "Tolerated"; PolyPhen-2: "Benign"; Align-GVGD: "Class C0". The phenylalanine amino acid residue is found in multiple mammalian species, which suggests that this missense change does not adversely affect protein function. ClinVar contains an entry for this variant (Variation ID: 998602). This variant has not been reported in the literature in individuals affected with SYNE1-related conditions. This variant is present in population databases (rs746812274, gnomAD 0.0009%). This sequence change replaces leucine, which is neutral and non-polar, with phenylalanine, which is neutral and non-polar, at codon 1846 of the SYNE1 protein (p.Leu1846Phe).